The following is an entry in ClinVar:

NM_020433.5(JPH2):c.499C>A (p.Arg167Ser)

Gene: JPH2 (junctophilin 2; minus strand). Cytogenetic location: 20q13.12.
Variant type: single nucleotide variant.
Coding change: c.499C>A on transcript NM_020433.5 (MANE Select); coding-DNA position 499, C replaced by A.
Protein change: p.Arg167Ser; replaces arginine 167 with serine.
Molecular consequence: missense variant.
Genome position (GRCh38, 1-based): chr20:44,160,288, G>T on the plus strand (C>A on the coding strand, the complement: JPH2 is on the minus strand). VCF-style: chr20-44160288-G-T. GRCh37 (hg19) VCF-style: chr20-42788928-G-T.
Other names: short protein forms R167S.
Identifiers: ClinVar variation 1917575 (VCV001917575.5), dbSNP rs1394260721, ClinGen allele CA409094268.

ClinVar aggregate classification (germline): Uncertain significance (1 of 4 stars; one submission).

Conditions:
Hypertrophic cardiomyopathy. Also called: HYPERTROPHIC MYOCARDIOPATHY. Identifiers: Orphanet 217569, MedGen C0007194, MeSH D002312, MONDO:0005045, HP:0001639.

Allele frequency attached by ClinVar (database versions not stated): gnomAD exomes 0.00001.
gnomAD v4.1: 9 of 1,539,992 alleles (0.00058%); highest among the groups gnomAD compares: South Asian, 0.0012%; no homozygotes.

Submission:

Labcorp Genetics (formerly Invitae), Labcorp
Classification: Uncertain significance for Hypertrophic cardiomyopathy. Last evaluated: 2022-05-14. Review status: criteria provided, single submitter. Criteria: Invitae Variant Classification Sherloc (09022015). Collection method: clinical testing. Allele origin: germline.
Comment: In summary, the available evidence is currently insufficient to determine the role of this variant in disease. Therefore, it has been classified as a Variant of Uncertain Significance. Algorithms developed to predict the effect of missense changes on protein structure and function are either unavailable or do not agree on the potential impact of this missense change (SIFT: "Deleterious"; PolyPhen-2: "Probably Damaging"; Align-GVGD: "Class C15"). This variant has not been reported in the literature in individuals affected with JPH2-related conditions. This variant is not present in population databases (gnomAD no frequency). This sequence change replaces arginine, which is basic and polar, with serine, which is neutral and polar, at codon 167 of the JPH2 protein (p.Arg167Ser).